The following is an entry in ClinVar:

ClinVar aggregate classification (germline): Uncertain significance. Review status: criteria provided, multiple submitters, no conflicts (2 of 4 stars). 2 submissions from 2 submitters: Uncertain significance (2). Last evaluated 2025-06-07.

Conditions:
Inborn genetic diseases. Identifiers: MedGen C0950123, MeSH D030342.
Mendelian susceptibility to mycobacterial diseases due to complete IL12RB1 deficiency. Also called: IL12RB1 DEFICIENCY; Immunodeficiency 30. Identifiers: Orphanet 319552, MedGen C4013949, MONDO:0013955, OMIM 614891.

Allele frequency attached by ClinVar (database versions not stated): gnomAD 0.00003; gnomAD exomes 0.00002 and 0.00005; TOPMed 0.00002; ExAC 0.00003.
gnomAD v4.1: 26 of 1,612,118 alleles (0.0016%); highest among the groups gnomAD compares: Admixed American, 0.015%; no homozygotes.

Submissions (2):

Ambry Genetics
Classification: Uncertain significance for Inborn genetic diseases. Last evaluated: 2025-06-07. Review status: criteria provided, single submitter. Criteria: Ambry Variant Classification Scheme 2023. Collection method: clinical testing. Allele origin: germline.

Labcorp Genetics (formerly Invitae), Labcorp
Classification: Uncertain significance for Mendelian susceptibility to mycobacterial diseases due to complete IL12RB1 deficiency. Last evaluated: 2022-11-01. Review status: criteria provided, single submitter. Criteria: Invitae Variant Classification Sherloc (09022015). Collection method: clinical testing. Allele origin: germline.
Comment: This sequence change replaces glycine, which is neutral and non-polar, with arginine, which is basic and polar, at codon 84 of the IL12RB1 protein (p.Gly84Arg). This variant is present in population databases (rs757986795, gnomAD 0.02%). This variant has not been reported in the literature in individuals affected with IL12RB1-related conditions. ClinVar contains an entry for this variant (Variation ID: 958374). Advanced modeling of protein sequence and biophysical properties (such as structural, functional, and spatial information, amino acid conservation, physicochemical variation, residue mobility, and thermodynamic stability) performed at Invitae indicates that this missense variant is not expected to disrupt IL12RB1 protein function. In summary, the available evidence is currently insufficient to determine the role of this variant in disease. Therefore, it has been classified as a Variant of Uncertain Significance.

NM_005535.3(IL12RB1):c.250G>A (p.Gly84Arg)

Gene: IL12RB1 (interleukin 12 receptor subunit beta 1; minus strand). Cytogenetic location: 19p13.11.
Variant type: single nucleotide variant.
Coding change: c.250G>A on transcript NM_005535.3 (MANE Select); coding-DNA position 250, G replaced by A.
Protein change: p.Gly84Arg; replaces glycine 84 with arginine.
Molecular consequence: missense variant.
Genome position (GRCh38, 1-based): chr19:18,080,991, C>T on the plus strand (G>A on the coding strand, the complement: IL12RB1 is on the minus strand). VCF-style: chr19-18080991-C-T. GRCh37 (hg19) VCF-style: chr19-18191801-C-T.
Other names: c.250G>A, p.Gly84Arg (NM_001290023.2, NM_153701.3); c.370G>A, p.Gly124Arg (NM_001290024.2); short protein forms G84R, G124R.
Identifiers: ClinVar variation 958374 (VCV000958374.8), dbSNP rs757986795, ClinGen allele CA9305278.
Genomic context (GRCh38, chr19:18,080,991, plus strand): 5'-CAGCCTGGTCGGAGAACTGCAGCCTGGTGGCTGAGCCGGCGGCGAAGTAGCAGCAGCGCC[C>T]GGAGCTAAGGCTGCAGCAGGAAGGAGGGTGTCAGTGCCGAGTCTGGGGTCCTAGTGGACC-3'
Protein context (NP_005526.1, residues 74-94): SHFLRCCLSS[Gly84Arg]RCCYFAAGSA